The following is an entry in ClinVar:

NM_000451.4(SHOX):c.440G>A (p.Arg147His)

Genes: SHOX (SHOX homeobox; plus strand), LOC107652445 (meiotic recombination hotspot SHOX; plus strand). Cytogenetic location: Xp22.33.
Variant type: single nucleotide variant.
Coding change: c.440G>A on transcript NM_000451.4 (MANE Select); coding-DNA position 440, G replaced by A.
Protein change: p.Arg147His; replaces arginine 147 with histidine.
Molecular consequence: missense variant.
Genome position (GRCh38, 1-based): chrX:634,780, G>A. VCF-style: chrX-634780-G-A. GRCh37 (hg19) VCF-style: chrX-595515-G-A.
Other names: c.440G>A, p.Arg147His (NM_006883.2); c.440G>A (NM_000451.3); short protein forms R147H.
Identifiers: ClinVar variation 287437 (VCV000287437.12), dbSNP rs886043634, ClinGen allele CA325621250.

ClinVar aggregate classification (germline): Conflicting classifications of pathogenicity. Review status: criteria provided, conflicting classifications (1 of 4 stars). 7 submissions from 7 submitters: Pathogenic (2); Likely pathogenic (1); Uncertain significance (4). Last evaluated 2026-03-10.

Conditions:
SHOX-related disorder. Also called: SHOX-related condition.
SHOX-related short stature. Also called: SHORT STATURE, IDIOPATHIC, X-LINKED. Identifiers: Orphanet 314795, MedGen C1845118, MONDO:0010367, OMIM 300582. Disease mechanism: loss of function.

Allele frequency attached by ClinVar (database versions not stated): gnomAD 0.00001; TOPMed 0.00001.

Submissions (7):

Women's Health and Genetics/Laboratory Corporation of America, LabCorp
Classification: Uncertain significance. Last evaluated: 2026-03-10. Review status: criteria provided, single submitter. Criteria: LabCorp Variant Classification Summary - May 2015. Collection method: clinical testing. Allele origin: germline.
Comment: Variant summary: SHOX c.440G>A (p.Arg147His) results in a non-conservative amino acid change in the encoded protein sequence. Algorithms developed to predict the effect of missense changes on protein structure and function are either unavailable or do not agree on the potential impact of this missense change. The frequency data for this variant in gnomAD is considered unreliable, as metrics indicate poor data quality at this position. c.440G>A has been observed in individuals affected with Short Stature or Leri-Weill Dyschondrosteosis without cosegregation information (e.g. Jorge_2007, Bunyan_2013). These reports do not provide unequivocal conclusions about association of the variant with Short Stature. To our knowledge, no experimental evidence demonstrating an impact on protein function has been reported. The following publications have been ascertained in the context of this evaluation (PMID: 17201812, 23636926). ClinVar contains an entry for this variant (Variation ID: 287437). Based on the evidence outlined above, the variant was classified as uncertain significance.

PreventionGenetics, part of Exact Sciences
Classification: Pathogenic for SHOX-related condition. Last evaluated: 2025-10-28. Review status: criteria provided, single submitter. Criteria: ACMG Guidelines, 2015. Collection method: clinical testing. Allele origin: germline.
Comment: The SHOX c.440G>A variant is predicted to result in the amino acid substitution p.Arg147His. This variant was reported in four individuals with short stature or Leri-Weill dyschondrosteosis (Jorge et al. 2007. PubMed ID: 17201812; Bunyan et al. 2013. PubMed ID: 23636926). This variant has not been reported in a large population database (gnomAD), indicating this variant is rare. Other substitutions at this amino acid position (Ser, Cys, Pro) have been reported as pathogenic (Ross et al. 2005. PubMed ID: 16227037; Rodríguez et al. 2013. PubMed ID: 23729538; Lee et al. 2021. PubMed ID: 32932528). This variant is interpreted as pathogenic.

Athena Diagnostics
Classification: Likely pathogenic. Last evaluated: 2025-06-13. Review status: criteria provided, single submitter. Criteria: Athena Diagnostics Criteria. Collection method: clinical testing. Allele origin: unknown.
Comment: The frequency of this variant in the general population is consistent with pathogenicity. This variant has been identified in multiple unrelated individuals with clinical features associated with pseudoautosomal dominant idiopathic short stature. Polyphen and MutationTaster predict this amino acid change may be damaging to the protein. The variant is located in a region that is considered important for protein function and/or structure.

Dasa
Classification: Uncertain significance. Last evaluated: 2024-08-30. Review status: criteria provided, single submitter. Criteria: DASA Assertion Criteria. Collection method: clinical testing. Allele origin: germline.
Comment: NM_000451.4(SHOX):c.440G>A (p.Arg147His) is a missense variant that results in the substitution of arginine with histidine. This variant has been reported in individuals with SHOX-related disorders (PMID: 17201812). Also, this variant is rare in population databases. Computational prediction algorithms are consistent with a deleterious effect. The currently available literature and clinical evidence are not sufficient to establish a definitive association between this variant and the reported condition. Therefore, this variant is classified as a variant of uncertain significance.

GeneDx
Classification: Uncertain significance. Last evaluated: 2024-03-05. Review status: criteria provided, single submitter. Criteria: GeneDx Variant Classification Process June 2021. Collection method: clinical testing. Allele origin: germline. Affected: yes.
Comment: Observed in multiple individuals with Leri-Weill dyschondrosteosis or idiopathic short stature in published literature, but familial segregation information and additional clinical information were not included (PMID: 17201812, 23636926, 24296787, 31219618); Not observed at significant frequency in large population cohorts (gnomAD); In silico analysis supports that this missense variant has a deleterious effect on protein structure/function; This variant is associated with the following publications: (PMID: 17201812, 23729538, 31219618, 30743796, 24296787, 33281875, 23636926)

Clinical Genomics Laboratory, Washington University in St. Louis
Classification: Uncertain significance for SHOX-related short stature. Last evaluated: 2024-01-17. Review status: criteria provided, single submitter. Criteria: ACMG Guidelines, 2015. Collection method: clinical testing. Allele origin: germline.
Comment: The SHOX c.440G>A (p.Arg147His) variant has been reported in at least seven individuals from two families affected with Leri-Weill dyschondrosteosis (Bunyan DJ et al., PMID: 23636926; Funari MFA et al., PMID: 31219618; Jorge AA et al., PMID: 17201812; Malaquias AC et al., PMID: 24296787). This variant has been reported in the ClinVar database as a germline pathogenic variant by one submitter. This variant is absent from the general population (gnomAD v.2.1.1), indicating it is not a common variant. This variant occurs in a predicted alpha helix (AlphaFold) within the homeobox domain and computational predictors indicate that the variant is damaging, evidence that correlates with impact to SHOX function. Additionally, other variants in the same codon, p.Arg147Pro and p.Arg147Ser, have been reported in individuals affected with Leri-Weill dyschondrosteosis but are considered variants of uncertain significance (Bunyan DJ et al., PMID: 23636926; Rodr√≠guez FA et al., PMID: 23729538). However, due to limited information, and based on ACMG/AMP guidelines for variant interpretation (Richards S et al., PMID: 25741868), the clinical significance of this variant is uncertain at this time.

Eurofins Ntd Llc (ga)
Classification: Pathogenic. Last evaluated: 2016-04-06. Review status: criteria provided, single submitter. Criteria: EGL Classification Definitions 2015. Collection method: clinical testing. Allele origin: germline. Observed: 2 variant alleles, 2 heterozygotes.

Literature cited by the submitters: PubMed 23636926 (cited by Women's Health and Genetics/Laboratory Corporation of America, LabCorp and Athena Diagnostics); PubMed 17201812 (cited by 3 submitters); PubMed 24296787 (cited by Athena Diagnostics); PubMed 31219618 (cited by Athena Diagnostics).